The following is an entry in ClinVar:

ClinVar aggregate classification (germline): Uncertain significance (1 of 4 stars; one submission).

Conditions:
Cardiovascular phenotype. Identifiers: MedGen CN230736.

Submission:

Ambry Genetics
Classification: Uncertain significance for Cardiovascular phenotype. Last evaluated: 2024-04-04. Review status: criteria provided, single submitter. Criteria: Ambry Variant Classification Scheme 2023. Collection method: clinical testing. Allele origin: germline.
Comment: The p.W951C variant (also known as c.2853G>T), located in coding exon 19 of the GAA gene, results from a G to T substitution at nucleotide position 2853. The tryptophan at codon 951 is replaced by cysteine, an amino acid with highly dissimilar properties. This amino acid position is conserved. In addition, this alteration is predicted to be deleterious by in silico analysis. Based on the available evidence, the clinical significance of this variant remains unclear.

NM_000152.5(GAA):c.2853G>T (p.Trp951Cys)

Gene: GAA (alpha glucosidase; plus strand). Cytogenetic location: 17q25.3.
Variant type: single nucleotide variant.
Coding change: c.2853G>T on transcript NM_000152.5 (MANE Select); coding-DNA position 2853, G replaced by T.
Protein change: p.Trp951Cys; replaces tryptophan 951 with cysteine.
Molecular consequence: missense variant.
Genome position (GRCh38, 1-based): chr17:80,119,325, G>T. VCF-style: chr17-80119325-G-T. GRCh37 (hg19) VCF-style: chr17-78093124-G-T.
Other names: c.2853G>T, p.Trp951Cys (NM_001079803.3, NM_001079804.3, NM_001406741.1 and 1 more transcripts); short protein forms W951C.
Identifiers: ClinVar variation 3280337 (VCV003280337.1).